The following is an entry in ClinVar:

NM_001164508.2(NEB):c.8995-1G>C

Gene: NEB (nebulin; minus strand). Cytogenetic location: 2q23.3.
Variant type: single nucleotide variant.
Coding change: c.8995-1G>C on transcript NM_001164508.2 (MANE Select); the canonical splice acceptor site of the intron before coding-DNA position 8995, G replaced by C.
Molecular consequence: splice acceptor variant. On other transcripts: intron variant (1).
Genome position (GRCh38, 1-based): chr2:151,636,335, C>G on the plus strand (G>C on the coding strand, the complement: NEB is on the minus strand). VCF-style: chr2-151636335-C-G. GRCh37 (hg19) VCF-style: chr2-152492849-C-G.
Other names: c.8853+3558G>C (NM_004543.5); c.8995-1G>C (NM_001164507.2, NM_001271208.2).
Identifiers: ClinVar variation 2174135 (VCV002174135.4), dbSNP rs1259218629, ClinGen allele CA348805908.

ClinVar aggregate classification (germline): Likely pathogenic (1 of 4 stars; one submission).

Conditions:
Nemaline myopathy 2 (NEM2). Also called: Nemaline myopathy 2, autosomal recessive. Identifiers: MedGen C1850569, MONDO:0009725, OMIM 256030.

Submission:

Labcorp Genetics (formerly Invitae), Labcorp
Classification: Likely pathogenic for Nemaline myopathy 2. Last evaluated: 2025-12-15. Review status: criteria provided, single submitter. Criteria: Invitae Variant Classification Sherloc (09022015). Collection method: clinical testing. Allele origin: germline.
Comment: This sequence change affects an acceptor splice site in intron 63 of the NEB gene. It is expected to disrupt RNA splicing. Variants that disrupt the donor or acceptor splice site typically lead to a loss of protein function (PMID: 16199547), and loss-of-function variants in NEB are known to be pathogenic (PMID: 25205138). This variant is not present in population databases (gnomAD no frequency). This variant has not been reported in the literature in individuals affected with NEB-related conditions. ClinVar contains an entry for this variant (Variation ID: 2174135). Algorithms developed to predict the effect of sequence changes on RNA splicing suggest that this variant may disrupt the consensus splice site. In summary, the currently available evidence indicates that the variant is pathogenic, but additional data are needed to prove that conclusively. Therefore, this variant has been classified as Likely Pathogenic.

Literature cited by the submitters: PubMed 16199547; PubMed 25205138.